The following is an entry in ClinVar:

ClinVar aggregate classification (germline): Uncertain significance (1 of 4 stars; one submission).

Conditions:
Hereditary nonpolyposis colorectal neoplasms. Identifiers: MedGen C0009405, MeSH D003123.

Submission:

Labcorp Genetics (formerly Invitae), Labcorp
Classification: Uncertain significance for Hereditary nonpolyposis colorectal neoplasms. Last evaluated: 2024-04-17. Review status: criteria provided, single submitter. Criteria: Invitae Variant Classification Sherloc (09022015). Collection method: clinical testing. Allele origin: germline.
Comment: This sequence change replaces glutamic acid, which is acidic and polar, with lysine, which is basic and polar, at codon 744 of the MSH6 protein (p.Glu744Lys). This variant is not present in population databases (gnomAD no frequency). This variant has not been reported in the literature in individuals affected with MSH6-related conditions. Advanced modeling of protein sequence and biophysical properties (such as structural, functional, and spatial information, amino acid conservation, physicochemical variation, residue mobility, and thermodynamic stability) has been performed at Invitae for this missense variant, however the output from this modeling did not meet the statistical confidence thresholds required to predict the impact of this variant on MSH6 protein function. In summary, the available evidence is currently insufficient to determine the role of this variant in disease. Therefore, it has been classified as a Variant of Uncertain Significance.

NM_000179.3(MSH6):c.2230G>A (p.Glu744Lys)

Gene: MSH6 (mutS homolog 6; plus strand). Cytogenetic location: 2p16.3.
Variant type: single nucleotide variant.
Coding change: c.2230G>A on transcript NM_000179.3 (MANE Select); coding-DNA position 2230, G replaced by A.
Protein change: p.Glu744Lys; replaces glutamic acid 744 with lysine.
Molecular consequence: missense variant. On other transcripts: non-coding transcript variant (5), intron variant (2).
Genome position (GRCh38, 1-based): chr2:47,800,213, G>A. VCF-style: chr2-47800213-G-A. GRCh37 (hg19) VCF-style: chr2-48027352-G-A.
Other names: c.2230G>A, p.Glu744Lys (NM_001406808.1, NM_001406809.1, NM_001406796.1 and 3 more transcripts); c.1324G>A, p.Glu442Lys (NM_001406811.1, NM_001406812.1, NM_001406814.1 and 6 more transcripts); c.2236G>A, p.Glu746Lys (NM_001406813.1); c.1933G>A, p.Glu645Lys (NM_001406818.1, NM_001406819.1, NM_001406797.1 and 10 more transcripts); c.1840G>A, p.Glu614Lys (NM_001281492.2); c.2326G>A, p.Glu776Lys (NM_001406795.1, NM_001406802.1); c.1705G>A, p.Glu569Lys (NM_001406799.1, NM_001406806.1, NM_001406807.1); c.2152G>A, p.Glu718Lys (NM_001406804.1); and 3 more; short protein forms E569K, E614K, E718K, E776K, E442K, E688K, E744K, E645K.
Identifiers: ClinVar variation 3630440 (VCV003630440.2).